The following is an entry in ClinVar:

ClinVar aggregate classification (germline): Likely pathogenic (1 of 4 stars; one submission).

Conditions:
Cardiac anomalies - developmental delay - facial dysmorphism syndrome (MRFACD). Also called: Impaired intellectual development and distinctive facial features with or without cardiac defects; MED13L Syndrome. Identifiers: Orphanet 369891, MedGen C5192431, MONDO:0014773, OMIM 616789.

Submission:

Medical Genetics Center, Maternal and Child Health Hospital of Hubei Province
Classification: Likely pathogenic for Cardiac anomalies - developmental delay - facial dysmorphism syndrome. Last evaluated: 2023-02-25. Review status: criteria provided, single submitter. Criteria: ACMG Guidelines, 2015. Collection method: clinical testing. Allele origin: unknown. Affected: yes.
Comment: PVS1+PM2

NM_015335.5(MED13L):c.3815G>A (p.Trp1272Ter)

Gene: MED13L (mediator complex subunit 13L; minus strand). Cytogenetic location: 12q24.21.
Variant type: single nucleotide variant.
Coding change: c.3815G>A on transcript NM_015335.5 (MANE Select); coding-DNA position 3815, G replaced by A.
Protein change: p.Trp1272Ter; replaces tryptophan 1272 with a stop codon.
Molecular consequence: nonsense.
Genome position (GRCh38, 1-based): chr12:115,991,139, C>T on the plus strand (G>A on the coding strand, the complement: MED13L is on the minus strand). VCF-style: chr12-115991139-C-T. GRCh37 (hg19) VCF-style: chr12-116428944-C-T.
Other names: short protein forms W1272*.
Identifiers: ClinVar variation 4082293 (VCV004082293.1).
Genomic context (GRCh38, chr12:115,991,139, plus strand): 5'-CCACCAGTGGGGTTATCCACATACTGCCGCCCCTGCTCCAACGCATTAAAGCATTCCGTC[C>T]AGTAATCATTATTATCTGCTTGCACCCGGTCATAACTCCAGCTTACACAGGGAAGAGTTT-3'